The following is an entry in ClinVar:

ClinVar aggregate classification (germline): Likely benign. Review status: criteria provided, multiple submitters, no conflicts (2 of 4 stars). 2 submissions from 2 submitters: Likely benign (2). Last evaluated 2026-01-19.

Conditions:
Dilated cardiomyopathy 1G (CMD1G). Identifiers: Orphanet 154, MedGen C1858763, MONDO:0011400, OMIM 604145.
Autosomal recessive limb-girdle muscular dystrophy type 2J (LGMDR10). Also called: MUSCULAR DYSTROPHY, LIMB-GIRDLE, AUTOSOMAL RECESSIVE 10; Limb-girdle muscular dystrophy, type 2J. Identifiers: Orphanet 140922, MedGen C1837342, MONDO:0012127, OMIM 608807.

Allele frequency attached by ClinVar (database versions not stated): gnomAD exomes below 0.00001 and 0.00001; gnomAD 0.00002; TOPMed 0.00002.
gnomAD v4.1: 8 of 1,613,678 alleles (0.0005%); highest among the groups gnomAD compares: African/African-American, 0.011%; no homozygotes.

Submissions (2):

Labcorp Genetics (formerly Invitae), Labcorp
Classification: Likely benign for Dilated cardiomyopathy 1G; Autosomal recessive limb-girdle muscular dystrophy type 2J. Last evaluated: 2026-01-19. Review status: criteria provided, single submitter. Criteria: Invitae Variant Classification Sherloc (09022015). Collection method: clinical testing. Allele origin: germline.

GeneDx
Classification: Likely benign. Last evaluated: 2016-07-08. Review status: criteria provided, single submitter. Criteria: GeneDx Variant Classification (06012015). Collection method: clinical testing. Allele origin: germline. Affected: yes.
Comment: This variant is considered likely benign or benign based on one or more of the following criteria: it is a conservative change, it occurs at a poorly conserved position in the protein, it is predicted to be benign by multiple in silico algorithms, and/or has population frequency not consistent with disease.

NM_001267550.2(TTN):c.10115-17T>G

Gene: TTN (titin; minus strand). Cytogenetic location: 2q31.2.
Variant type: single nucleotide variant.
Coding change: c.10115-17T>G on transcript NM_001267550.2 (MANE Select); 17 bases into the intron before coding-DNA position 10115, T replaced by G.
Molecular consequence: intron variant.
Genome position (GRCh38, 1-based): chr2:178,759,189, A>C on the plus strand (T>G on the coding strand, the complement: TTN is on the minus strand). VCF-style: chr2-178759189-A-C. GRCh37 (hg19) VCF-style: chr2-179623916-A-C.
Other names: c.9977-17T>G (NM_003319.4, NM_133437.4, NM_133432.3); c.10115-17T>G (NM_133378.4, NM_001256850.1, NM_133379.5).
Identifiers: ClinVar variation 387689 (VCV000387689.12), dbSNP rs932815761, ClinGen allele CA16604249.